The following is an entry in ClinVar:

ClinVar aggregate classification (germline): Likely benign (1 of 4 stars; one submission).

Conditions:
KMT2D-related disorder. Also called: KMT2D-Related Disorders.

Submission:

PreventionGenetics, part of Exact Sciences
Classification: Likely benign for KMT2D-related condition. Last evaluated: 2025-12-08. Review status: criteria provided, single submitter. Criteria: ACMG Guidelines, 2015. Collection method: clinical testing. Allele origin: germline.
Comment: This variant is classified as likely benign based on ACMG/AMP sequence variant interpretation guidelines (Richards et al. 2015 PMID: 25741868, with internal and published modifications).

NM_003482.4(KMT2D):c.10740+6G>A

Gene: KMT2D (lysine methyltransferase 2D; minus strand). Cytogenetic location: 12q13.12.
Variant type: single nucleotide variant.
Coding change: c.10740+6G>A on transcript NM_003482.4 (MANE Select); 6 bases into the intron after coding-DNA position 10740, G replaced by A.
Molecular consequence: intron variant.
Genome position (GRCh38, 1-based): chr12:49,034,061, C>T on the plus strand (G>A on the coding strand, the complement: KMT2D is on the minus strand). VCF-style: chr12-49034061-C-T. GRCh37 (hg19) VCF-style: chr12-49427844-C-T.
Identifiers: ClinVar variation 4996079 (VCV004996079.1).